The following is an entry in ClinVar:

ClinVar aggregate classification (germline): Uncertain significance (1 of 4 stars; one submission).

Conditions:
Dyskeratosis congenita, autosomal dominant 1 (DKCA1). Also called: Dyskeratosis congenita Scoggins type. Identifiers: Orphanet 1775, MedGen C4551974, MONDO:0007485, OMIM 127550. Inheritance: Variable.

Allele frequency attached by ClinVar (database versions not stated): gnomAD 0.00001.

Submission:

Labcorp Genetics (formerly Invitae), Labcorp
Classification: Uncertain significance for Dyskeratosis congenita, autosomal dominant 1. Last evaluated: 2021-10-07. Review status: criteria provided, single submitter. Criteria: Invitae Variant Classification Sherloc (09022015). Collection method: clinical testing. Allele origin: germline.
Comment: This variant is located within the conserved regions 4 and 5 (CR4-CR5) domain of the TERC RNA component, which is required for telomerase activity (PMID: 15082312, 21844345). In summary, the available evidence is currently insufficient to determine the role of this variant in disease. Therefore, it has been classified as a Variant of Uncertain Significance. This variant has not been reported in the literature in individuals affected with TERC-related conditions. This variant is not present in population databases (ExAC no frequency). This variant occurs in the TERC gene, which encodes an RNA molecule that does not result in a protein product.

Literature cited by the submitters: PubMed 15082312; PubMed 21844345.

NC_000003.12:g.169764764G>A

Genes: TERC (telomerase RNA component; minus strand), LOC110806306 (telomerase RNA component (TERC) promoter; plus strand). Cytogenetic location: 3q26.2.
Variant type: single nucleotide variant.
Genome position: GRCh38 VCF-style: chr3-169764764-G-A. GRCh37 (hg19) VCF-style: chr3-169482552-G-A.
Identifiers: ClinVar variation 1493727 (VCV001493727.6), dbSNP rs1206628752, ClinGen allele CA436715121.